The following is an entry in ClinVar:

NM_139027.6(ADAMTS13):c.627C>G (p.Leu209=)

Gene: ADAMTS13 (ADAM metallopeptidase with thrombospondin type 1 motif 13; plus strand). Cytogenetic location: 9q34.2.
Variant type: single nucleotide variant.
Coding change: c.627C>G on transcript NM_139027.6 (MANE Select); coding-DNA position 627, C replaced by G.
Protein change: p.Leu209=; no amino-acid change (leucine 209 retained).
Molecular consequence: synonymous variant. On other transcripts: non-coding transcript variant (1).
Genome position (GRCh38, 1-based): chr9:133,426,286, C>G. VCF-style: chr9-133426286-C-G. GRCh37 (hg19) VCF-style: chr9-136291406-C-G.
Other names: c.627C>G, p.Leu209= (NM_139025.5, NM_139026.6).
Identifiers: ClinVar variation 2581498 (VCV002581498.4), dbSNP rs143035878, ClinGen allele CA200922275.

ClinVar aggregate classification (germline): Likely benign. Review status: criteria provided, multiple submitters, no conflicts (2 of 4 stars). 2 submissions from 2 submitters: Likely benign (2). Last evaluated 2025-06-12.

Allele frequency attached by ClinVar (database versions not stated): gnomAD exomes below 0.00001; gnomAD 0.00005; ESP Exome Variant Server 0.00015; ExAC 0.00002; TOPMed 0.00006; 1000 Genomes Project 30x 0.00016; 1000 Genomes Project 0.00020.
gnomAD v4.1: 9 of 1,609,874 alleles (0.00056%); highest among the groups gnomAD compares: African/African-American, 0.012%; no homozygotes.

Submissions (2):

Labcorp Genetics (formerly Invitae), Labcorp
Classification: Likely benign. Last evaluated: 2025-06-12. Review status: criteria provided, single submitter. Criteria: Invitae Variant Classification Sherloc (09022015). Collection method: clinical testing. Allele origin: germline.

Women's Health and Genetics/Laboratory Corporation of America, LabCorp
Classification: Likely benign. Last evaluated: 2023-08-04. Review status: criteria provided, single submitter. Criteria: LabCorp Variant Classification Summary - May 2015. Collection method: clinical testing. Allele origin: germline.
Comment: Variant summary: ADAMTS13 c.627C>G alters a non-conserved nucleotide resulting in a synonymous change. 4/4 computational tools predict no significant impact on normal splicing. However, these predictions have yet to be confirmed by functional studies. The variant allele was found at a frequency of 8.1e-06 in 247796 control chromosomes (gnomAD). The available data on variant occurrences in the general population are insufficient to allow any conclusion about variant significance. To our knowledge, no occurrence of c.627C>G in individuals affected with Thrombotic Thrombocytopenic Purpura and no experimental evidence demonstrating its impact on protein function have been reported. No submitters have cited clinical-significance assessments for this variant to ClinVar after 2014. Based on the evidence outlined above, the variant was classified as likely benign.